The following is an entry in ClinVar:

NM_007078.3(LDB3):c.-24+18G>A

Gene: LDB3 (LIM domain binding 3; plus strand). Cytogenetic location: 10q23.2.
Variant type: single nucleotide variant.
Coding change: c.-24+18G>A on transcript NM_007078.3 (MANE Select); 18 bases into the intron after 24 bases upstream of the start codon, G replaced by A.
Molecular consequence: intron variant. On other transcripts: 5 prime UTR variant (1).
Genome position (GRCh38, 1-based): chr10:86,668,588, G>A. VCF-style: chr10-86668588-G-A. GRCh37 (hg19) VCF-style: chr10-88428345-G-A.
Other names: c.-104G>A (NM_001080116.1); c.-23-81G>A (NM_001368064.1, NM_001368063.1, NM_001368068.1); c.-24+18G>A (NM_001171610.2, NM_001368065.1, NM_001368066.1 and 4 more transcripts).
Identifiers: ClinVar variation 387455 (VCV000387455.1), dbSNP rs1054080127, ClinGen allele CA16605943.
Genomic context (GRCh38, chr10:86,668,588, plus strand): 5'-AAGAGCTCCACGCAGCCCGGCTGGGCAGCAAGGGACAGAACAGGCAAGGCTGGGGGTCAG[G>A]GGCAGGGGCAGAGGTGTGGACCGGGCAGGCGGAGTGCCTGAGTGCCCTCTCACTCAACCC-3'

ClinVar aggregate classification (germline): Likely benign (1 of 4 stars; one submission).

Allele frequency attached by ClinVar (database versions not stated): gnomAD 0.00007 and 0.00008; TOPMed 0.00007; gnomAD exomes 0.00012.
gnomAD v4.1: 110 of 921,854 alleles (0.012%); highest among the groups gnomAD compares: Middle Eastern, 0.11%; 2 homozygotes.

Submission:

GeneDx
Classification: Likely benign. Last evaluated: 2016-07-08. Review status: criteria provided, single submitter. Criteria: GeneDx Variant Classification (06012015). Collection method: clinical testing. Allele origin: germline. Affected: yes.
Comment: This variant is considered likely benign or benign based on one or more of the following criteria: it is a conservative change, it occurs at a poorly conserved position in the protein, it is predicted to be benign by multiple in silico algorithms, and/or has population frequency not consistent with disease.